The following is an entry in ClinVar:

ClinVar aggregate classification (germline): Pathogenic. Review status: criteria provided, single submitter (1 of 4 stars). 2 submissions from 2 submitters: Pathogenic (1). 1 of the submissions does not count toward it. Last evaluated 2025-12-10.

Conditions:
Trichorhinophalangeal dysplasia type I (TRPS1). Also called: TRICHORHINOPHALANGEAL SYNDROME, TYPE I; TRPS I. Identifiers: Orphanet 77258, MedGen C0432233, MONDO:0008596, OMIM 190350.
Trichorhinophalangeal syndrome, type III (TRPS3). Also called: SUGIO-KAJII SYNDROME. Identifiers: Orphanet 77258, MedGen C1860823, OMIM 190351, MONDO:0008597.

Submissions (2):

Labcorp Genetics (formerly Invitae), Labcorp
Classification: Pathogenic for Trichorhinophalangeal syndrome, type III; Trichorhinophalangeal dysplasia type I. Last evaluated: 2025-12-10. Review status: criteria provided, single submitter. Criteria: Invitae Variant Classification Sherloc (09022015). Collection method: clinical testing. Allele origin: germline.
Comment: This sequence change creates a premature translational stop signal (p.Glu994Glyfs*7) in the TRPS1 gene. While this is not anticipated to result in nonsense mediated decay, it is expected to disrupt the last 301 amino acid(s) of the TRPS1 protein. This variant is not present in population databases (gnomAD no frequency). This premature translational stop signal has been observed in individuals with clinical features of trichorhinophalangeal syndrome (PMID: 25792522; internal data). This variant is also known as c.2942_2945del. ClinVar contains an entry for this variant (Variation ID: 438471). This variant disrupts the C-terminus of the TRPS1 protein. Other variant(s) that disrupt this region (p.Ser1026Thrfs*27, p.Pro1047Leufs*6, p.Ser1142Valfs*36) have been observed in individuals with TRPS1-related conditions (PMID: 25792522). This suggests that this may be a clinically significant region of the protein. For these reasons, this variant has been classified as Pathogenic.

GeneReviews
No classification provided. Condition: Trichorhinophalangeal dysplasia type I. Review status: no classification provided. Collection method: literature only. Allele origin: germline. Not counted in ClinVar's aggregate classification.

Literature cited by the submitters: PubMed 25792522 (cited by Labcorp Genetics (formerly Invitae), Labcorp and GeneReviews); NCBI Bookshelf NBK425926 (cited by GeneReviews).

NM_014112.5(TRPS1):c.2981_2984del (p.Glu994fs)

Gene: TRPS1 (transcriptional repressor GATA binding 1; minus strand). Cytogenetic location: 8q23.3.
Variant type: Microsatellite.
Coding change: c.2981_2984del on transcript NM_014112.5 (MANE Select); coding-DNA positions 2981 to 2984, 4 bases deleted (AGAG; older notation c.2981_2984delAGAG).
Protein change: p.Glu994fs; shifts the reading frame from glutamic acid 994.
Molecular consequence: frameshift variant.
Genome position (GRCh38, 1-based): chr8:115,414,924-115,414,927, CTCT deleted on the plus strand (AGAG on the coding strand, the reverse complement: TRPS1 is on the minus strand); deleting any 4 consecutive bases within chr8:115,414,924-115,414,929 gives the same sequence; the c. name uses the placement nearest the transcript's 3' end. VCF-style (leftmost placement, unchanged base first): chr8-115414923-CCTCT-C. GRCh37 (hg19) VCF-style: chr8-116427151-CCTCT-C.
Other names: c.2954_2957del, p.Glu985fs (NM_001282902.3); c.2960_2963del, p.Glu987fs (NM_001282903.3); c.2942_2945del, p.Glu981fs (NM_001330599.2); short protein forms E985fs, E994fs, E987fs, E981fs.
Identifiers: ClinVar variation 438471 (VCV000438471.11), dbSNP rs1554617011, ClinGen allele CA645509476.